The following is an entry in ClinVar:

NM_181712.5(KANK4):c.394C>G (p.Leu132Val)

Gene: KANK4 (KN motif and ankyrin repeat domains 4; minus strand). Cytogenetic location: 1p31.3.
Variant type: single nucleotide variant.
Coding change: c.394C>G on transcript NM_181712.5 (MANE Select); coding-DNA position 394, C replaced by G.
Protein change: p.Leu132Val; replaces leucine 132 with valine.
Molecular consequence: missense variant. On other transcripts: intron variant (1).
Genome position (GRCh38, 1-based): chr1:62,274,710, G>C on the plus strand (C>G on the coding strand, the complement: KANK4 is on the minus strand). VCF-style: chr1-62274710-G-C. GRCh37 (hg19) VCF-style: chr1-62740382-G-C.
Other names: c.17-3121C>G (NM_001320269.2); c.394C>G (NM_181712.4); short protein forms L132V.
Identifiers: ClinVar variation 1441484 (VCV001441484.8), dbSNP rs150207421, ClinGen allele CA884577.
Genomic context (GRCh38, chr1:62,274,710, plus strand): 5'-AAGTGAGCTCGGCATCCTCTGGCTCAGCAGCTTCCAACTGTCTGGTGGCCTCTGCCAACA[G>C]AGCCTTCCTGTGGTAGCTCACCTCACTCCTGCTTGTTGAGGCCTGGGGGGCATTACCAAG-3'
Protein context (NP_859063.3, residues 122-142): RSEVSYHRKA[Leu132Val]LAEATRQLEA

ClinVar aggregate classification (germline): Uncertain significance. Review status: criteria provided, multiple submitters, no conflicts (2 of 4 stars). 2 submissions from 2 submitters: Uncertain significance (2). Last evaluated 2025-11-05.

Allele frequency attached by ClinVar (database versions not stated): ExAC 0.00004; TOPMed 0.00006; gnomAD 0.00007 and 0.00009; ESP Exome Variant Server 0.00008; 1000 Genomes Project 30x 0.00016; 1000 Genomes Project 0.00020.
gnomAD v4.1: 392 of 1,614,224 alleles (0.024%); highest among the groups gnomAD compares: Non-Finnish European, 0.032%; no homozygotes.

Submissions (2):

Ambry Genetics
Classification: Uncertain significance. Last evaluated: 2025-11-05. Review status: criteria provided, single submitter. Criteria: Ambry Variant Classification Scheme 2023. Collection method: clinical testing. Allele origin: germline.

Labcorp Genetics (formerly Invitae), Labcorp
Classification: Uncertain significance. Last evaluated: 2025-07-16. Review status: criteria provided, single submitter. Criteria: Invitae Variant Classification Sherloc (09022015). Collection method: clinical testing. Allele origin: germline.
Comment: This sequence change replaces leucine, which is neutral and non-polar, with valine, which is neutral and non-polar, at codon 132 of the KANK4 protein (p.Leu132Val). This variant is present in population databases (rs150207421, gnomAD 0.008%). This variant has not been reported in the literature in individuals affected with KANK4-related conditions. ClinVar contains an entry for this variant (Variation ID: 1441484). An algorithm developed to predict the effect of missense changes on protein structure and function (PolyPhen-2) suggests that this variant is likely to be disruptive. In summary, the available evidence is currently insufficient to determine the role of this variant in disease. Therefore, it has been classified as a Variant of Uncertain Significance.